The following is an entry in ClinVar:

ClinVar aggregate classification (germline): Uncertain significance (1 of 4 stars; one submission).

Conditions:
Inborn genetic diseases. Identifiers: MedGen C0950123, MeSH D030342.

Submission:

Ambry Genetics
Classification: Uncertain significance for Inborn genetic diseases. Last evaluated: 2026-02-28. Review status: criteria provided, single submitter. Criteria: Ambry Variant Classification Scheme 2023. Collection method: clinical testing. Allele origin: germline.
Comment: The p.V197L variant (also known as c.589G>T), located in coding exon 5 of the RUNX1 gene, results from a G to T substitution at nucleotide position 589. The valine at codon 197 is replaced by leucine, an amino acid with highly similar properties. This amino acid position is conserved. In addition, this alteration is predicted to be deleterious by in silico analysis. Based on the available evidence, the clinical significance of this variant remains unclear.

NM_001754.5(RUNX1):c.589G>T (p.Val197Leu)

Genes: RUNX1 (RUNX family transcription factor 1; minus strand), RUNX1-AS1 (RUNX1 antisense RNA 1; plus strand). Cytogenetic location: 21q22.12.
Variant type: single nucleotide variant.
Coding change: c.589G>T on transcript NM_001754.5 (MANE Select); coding-DNA position 589, G replaced by T.
Protein change: p.Val197Leu; replaces valine 197 with leucine.
Molecular consequence: missense variant.
Genome position (GRCh38, 1-based): chr21:34,859,498, C>A on the plus strand (G>T on the coding strand, the complement: RUNX1 is on the minus strand). VCF-style: chr21-34859498-C-A. GRCh37 (hg19) VCF-style: chr21-36231795-C-A.
Other names: c.508G>T, p.Val170Leu (NM_001001890.3, NM_001122607.2); short protein forms V197L, V170L.
Identifiers: ClinVar variation 4827457 (VCV004827457.1).